The following is an entry in ClinVar:

NM_080860.4(RSPH1):c.451G>A (p.Glu151Lys)

Gene: RSPH1 (radial spoke head component 1; minus strand). Cytogenetic location: 21q22.3.
Variant type: single nucleotide variant.
Coding change: c.451G>A on transcript NM_080860.4 (MANE Select); coding-DNA position 451, G replaced by A.
Protein change: p.Glu151Lys; replaces glutamic acid 151 with lysine.
Molecular consequence: missense variant.
Genome position (GRCh38, 1-based): chr21:42,485,719, C>T on the plus strand (G>A on the coding strand, the complement: RSPH1 is on the minus strand). VCF-style: chr21-42485719-C-T. GRCh37 (hg19) VCF-style: chr21-43905829-C-T.
Other names: c.337G>A, p.Glu113Lys (NM_001286506.2); short protein forms E113K, E151K.
Identifiers: ClinVar variation 1384464 (VCV001384464.6), dbSNP rs767070148, ClinGen allele CA10043932.
Genomic context (GRCh38, chr21:42,485,719, plus strand): 5'-ATGGACTTACATTTTTGTTCAAGAACTTGCCCTGGTACCTGTGGTTCAGGTGAATGAGCT[C>T]GGCCGTGCCCTCCTGCTGTCCGTTCACCCAGGTGCCAACATACTTACTGCCCGTCTCCGC-3'
Protein context (NP_543136.1, residues 141-161): WVNGQQEGTA[Glu151Lys]LIHLNHRYQG

ClinVar aggregate classification (germline): Uncertain significance (1 of 4 stars; one submission).

Conditions:
Primary ciliary dyskinesia. Also called: Ciliary dyskinesia. Identifiers: Orphanet 244, MedGen C0008780, MONDO:0016575, HP:0012265.

Allele frequency attached by ClinVar (database versions not stated): ExAC 0.00001; gnomAD 0.00001; gnomAD exomes 0.00001; TOPMed 0.00002.
gnomAD v4.1: 13 of 1,614,096 alleles (0.00081%); highest among the groups gnomAD compares: South Asian, 0.0044%; no homozygotes.

Submission:

Labcorp Genetics (formerly Invitae), Labcorp
Classification: Uncertain significance for Primary ciliary dyskinesia. Last evaluated: 2023-11-27. Review status: criteria provided, single submitter. Criteria: Invitae Variant Classification Sherloc (09022015). Collection method: clinical testing. Allele origin: germline.
Comment: This sequence change replaces glutamic acid, which is acidic and polar, with lysine, which is basic and polar, at codon 151 of the RSPH1 protein (p.Glu151Lys). This variant is present in population databases (rs767070148, gnomAD 0.006%). This variant has not been reported in the literature in individuals affected with RSPH1-related conditions. ClinVar contains an entry for this variant (Variation ID: 1384464). An algorithm developed to predict the effect of missense changes on protein structure and function (PolyPhen-2) suggests that this variant is likely to be disruptive. In summary, the available evidence is currently insufficient to determine the role of this variant in disease. Therefore, it has been classified as a Variant of Uncertain Significance.